The following is an entry in ClinVar:

ClinVar aggregate classification (germline): Likely benign. Review status: criteria provided, multiple submitters, no conflicts (2 of 4 stars). 2 submissions from 2 submitters: Likely benign (2). Last evaluated 2026-03-01.

gnomAD v4.1: 3 of 1,614,034 alleles (0.00019%); highest among the groups gnomAD compares: Non-Finnish European, 0.00017%; no homozygotes.

Submissions (2):

CeGaT Center for Human Genetics Tuebingen
Classification: Likely benign. Last evaluated: 2026-03-01. Review status: criteria provided, single submitter. Criteria: CeGaT Center For Human Genetics Tuebingen Variant Classification Criteria Version 2. Collection method: clinical testing. Allele origin: germline. Affected: yes. Observed: 1 variant allele.
Comment: ARID1B: BP4, BP7

Blueprint Genetics
Classification: Likely benign. Last evaluated: 2020-08-10. Review status: criteria provided, single submitter. Criteria: ACMG Guidelines, 2015. Collection method: clinical testing. Allele origin: germline.

NM_001374828.1(ARID1B):c.3564T>C (p.Asn1188=)

Gene: ARID1B (AT-rich interaction domain 1B; plus strand). Cytogenetic location: 6q25.3.
Variant type: single nucleotide variant.
Coding change: c.3564T>C on transcript NM_001374828.1 (MANE Select); coding-DNA position 3564, T replaced by C.
Protein change: p.Asn1188=; no amino-acid change (asparagine 1188 retained).
Molecular consequence: synonymous variant.
Genome position (GRCh38, 1-based): chr6:157,181,028, T>C. VCF-style: chr6-157181028-T-C. GRCh37 (hg19) VCF-style: chr6-157502162-T-C.
Other names: c.1065T>C, p.Asn355= (NM_001363725.2); c.3444T>C, p.Asn1148= (NM_001371656.1, NM_001374820.1); c.3693T>C, p.Asn1231= (NM_001438482.1); c.3606T>C, p.Asn1202= (NM_001438483.1); c.3474T>C, p.Asn1158= (NM_001438485.1); c.3447T>C, p.Asn1149= (NM_001438486.1); c.3384T>C, p.Asn1128= (NM_001438487.1); c.906T>C, p.Asn302= (NM_001438488.1); and 1 more.
Identifiers: ClinVar variation 4822527 (VCV004822527.5).